The following is an entry in ClinVar:

ClinVar aggregate classification (germline): Uncertain significance. Review status: criteria provided, multiple submitters, no conflicts (2 of 4 stars). 2 submissions from 2 submitters: Uncertain significance (2). Last evaluated 2024-01-01.

Conditions:
Intellectual developmental disorder, X-linked 93. Also called: MENTAL RETARDATION, X-LINKED, WITH MACROCEPHALY; Intellectual disability, X-linked 93. Identifiers: MedGen C1970841, MONDO:0010393, OMIM 300659.

Submissions (2):

Daryl Scott Lab, Baylor College of Medicine
Classification: Uncertain significance for Intellectual developmental disorder, X-linked 93. Last evaluated: 2024-01-01. Review status: criteria provided, single submitter. Criteria: ACMG Guidelines, 2015. Collection method: clinical testing. Allele origin: paternal. Observed: 1 heterozygote.
Comment: PM2

Baylor Genetics
Classification: Uncertain significance for Intellectual developmental disorder, X-linked 93. Last evaluated: 2020-05-21. Review status: criteria provided, single submitter. Criteria: ACMG Guidelines, 2015. Collection method: clinical testing. Allele origin: unknown. Affected: yes.
Comment: This variant was determined to be of uncertain significance according to ACMG Guidelines, 2015 [PMID:25741868].

NM_153252.5(BRWD3):c.90+5G>A

Gene: BRWD3 (bromodomain and WD repeat domain containing 3; minus strand). Cytogenetic location: Xq21.1.
Variant type: single nucleotide variant.
Coding change: c.90+5G>A on transcript NM_153252.5 (MANE Select); 5 bases into the intron after coding-DNA position 90, G replaced by A.
Molecular consequence: intron variant.
Genome position (GRCh38, 1-based): chrX:80,809,241, C>T on the plus strand (G>A on the coding strand, the complement: BRWD3 is on the minus strand). VCF-style: chrX-80809241-C-T. GRCh37 (hg19) VCF-style: chrX-80064740-C-T.
Identifiers: ClinVar variation 1029233 (VCV001029233.2), dbSNP rs1463124196, ClinGen allele CA642797405.
Genomic context (GRCh38, chrX:80,809,241, plus strand): 5'-CCGCTGCCTCGATTTCCCCACTGGGACCATTCACCACGACTCCCAGATCTCTTTCTTCCC[C>T]TTACCTGAGCGGATTTGTTGCAGGGTCCAGACTGCAAGAACCTAGCGATCAGGTAATACA-3'